The following is an entry in ClinVar:

NM_012254.3(SLC27A5):c.110T>G (p.Leu37Arg)

Gene: SLC27A5 (solute carrier family 27 member 5; minus strand). Cytogenetic location: 19q13.43.
Variant type: single nucleotide variant.
Coding change: c.110T>G on transcript NM_012254.3 (MANE Select); coding-DNA position 110, T replaced by G.
Protein change: p.Leu37Arg; replaces leucine 37 with arginine.
Molecular consequence: missense variant.
Genome position (GRCh38, 1-based): chr19:58,511,846, A>C on the plus strand (T>G on the coding strand, the complement: SLC27A5 is on the minus strand). VCF-style: chr19-58511846-A-C. GRCh37 (hg19) VCF-style: chr19-59023213-A-C.
Other names: p.Leu37Arg; c.110T>G, p.Leu37Arg (NM_001321196.2); short protein forms L37R.
Identifiers: ClinVar variation 193362 (VCV000193362.15), dbSNP rs146147877, ClinGen allele CA200519.
Genomic context (GRCh38, chr19:58,511,846, plus strand): 5'-CCGAGCCAGGGCCGTGCTAACATGGCCAGCCCAAGTAGCACGCAACATGTGGGATCCCCC[A>C]GGAGCCAGCGCAGGGTCAAGGCCACAGCGACTGGCCACACTGGCTGCCCCAGGCCCCAGA-3'
Protein context (NP_036386.1, residues 27-47): VAVALTLRWL[Leu37Arg]GDPTCCVLLG

ClinVar aggregate classification (germline): Benign/Likely benign. Review status: criteria provided, multiple submitters, no conflicts (2 of 4 stars). 4 submissions from 4 submitters: Benign (3); Likely benign (1). Last evaluated 2025-12-18.

Allele frequency attached by ClinVar (database versions not stated): gnomAD exomes 0.00048 and 0.00117; ExAC 0.00260; ESP Exome Variant Server 0.00412; 1000 Genomes Project 0.00479; gnomAD 0.00479 and 0.00512; 1000 Genomes Project 30x 0.00484; TOPMed 0.00540.

Submissions (4):

Labcorp Genetics (formerly Invitae), Labcorp
Classification: Benign. Last evaluated: 2025-12-18. Review status: criteria provided, single submitter. Criteria: Invitae Variant Classification Sherloc (09022015). Collection method: clinical testing. Allele origin: germline.

Mayo Clinic Laboratories, Mayo Clinic
Classification: Likely benign. Last evaluated: 2025-08-13. Review status: criteria provided, single submitter. Criteria: ACMG Guidelines, 2015. Collection method: clinical testing. Allele origin: germline. Observed: 5 variant alleles.
Comment: BS1

Eurofins Ntd Llc (ga)
Classification: Benign. Last evaluated: 2015-05-14. Review status: criteria provided, single submitter. Criteria: EGL Classification Definitions 2015. Collection method: clinical testing. Allele origin: germline. Observed: 1 variant allele, 1 heterozygote.

Breakthrough Genomics
Classification: Benign. Review status: criteria provided, single submitter. Criteria: ACMG Guidelines, 2015. Collection method: not provided. Allele origin: germline. Inheritance: Unknown mechanism. Affected: yes.